The following is an entry in ClinVar:

ClinVar aggregate classification (germline): Uncertain significance (1 of 4 stars; one submission).

Conditions:
Hereditary sensory and autonomic neuropathy type 6. Also called: HSAN VI; Neuropathy, hereditary sensory and autonomic, type VI. Identifiers: Orphanet 314381, MedGen C3539003, MONDO:0013839, OMIM 614653.
Epidermolysis bullosa simplex 3, localized or generalized intermediate, with BP230 deficiency (EBS3). Also called: Epidermolysis bullosa simplex due to BP230 deficiency; Epidermolysis bullosa simplex, autosomal recessive 2. Identifiers: Orphanet 412181, MedGen C3809470, MONDO:0014180, OMIM 615425.

Allele frequency attached by ClinVar (database versions not stated): TOPMed 0.00001.

Submission:

Labcorp Genetics (formerly Invitae), Labcorp
Classification: Uncertain significance for Epidermolysis bullosa simplex 3, localized or generalized intermediate, with BP230 deficiency; Hereditary sensory and autonomic neuropathy type 6. Last evaluated: 2020-03-12. Review status: criteria provided, single submitter. Criteria: Invitae Variant Classification Sherloc (09022015). Collection method: clinical testing. Allele origin: germline.
Comment: This sequence change replaces lysine with threonine at codon 1464 of the DST protein (p.Lys1464Thr). The lysine residue is highly conserved and there is a moderate physicochemical difference between lysine and threonine. This variant is not present in population databases (ExAC no frequency). This variant has not been reported in the literature in individuals with DST-related conditions. Algorithms developed to predict the effect of missense changes on protein structure and function are either unavailable or do not agree on the potential impact of this missense change (SIFT: "Deleterious"; PolyPhen-2: "Benign"; Align-GVGD: "Class C65"). In summary, the available evidence is currently insufficient to determine the role of this variant in disease. Therefore, it has been classified as a Variant of Uncertain Significance.

NM_001723.7(DST):c.4391A>C (p.Lys1464Thr)

Gene: DST (dystonin; minus strand). Cytogenetic location: 6p12.1.
Variant type: single nucleotide variant.
Coding change: c.4391A>C on transcript NM_001723.7 (MANE Plus Clinical); coding-DNA position 4391, A replaced by C.
Protein change: p.Lys1464Thr; replaces lysine 1464 with threonine.
Molecular consequence: missense variant. On other transcripts: intron variant (10).
Genome position (GRCh38, 1-based): chr6:56,619,643, T>G on the plus strand (A>C on the coding strand, the complement: DST is on the minus strand). VCF-style: chr6-56619643-T-G. GRCh37 (hg19) VCF-style: chr6-56484441-T-G.
Other names: c.4830+4887A>C (NM_001144769.5); c.4929+4887A>C (NM_001374722.1, NM_001374736.1); c.4956+4887A>C (NM_001374734.1); c.4416+4887A>C (NM_001144770.2); c.4296+4887A>C (NM_001374730.1, NM_001386100.1, NM_183380.4 and 1 more transcripts); c.3318+4887A>C (NM_015548.5); short protein forms K1464T.
Identifiers: ClinVar variation 1059906 (VCV001059906.9), dbSNP rs1169554505, ClinGen allele CA364569788.